The following is an entry in ClinVar:

NM_005765.3(ATP6AP2):c.622T>C (p.Ser208Pro)

Gene: ATP6AP2 (ATPase H+ transporting accessory protein 2; plus strand). Cytogenetic location: Xp11.4.
Variant type: single nucleotide variant.
Coding change: c.622T>C on transcript NM_005765.3 (MANE Select); coding-DNA position 622, T replaced by C.
Protein change: p.Ser208Pro; replaces serine 208 with proline.
Molecular consequence: missense variant.
Genome position (GRCh38, 1-based): chrX:40,599,625, T>C. VCF-style: chrX-40599625-T-C. GRCh37 (hg19) VCF-style: chrX-40458877-T-C.
Other names: short protein forms S208P.
Identifiers: ClinVar variation 2660321 (VCV002660321.24), dbSNP rs2518966020, ClinGen allele CA412756645.
Genomic context (GRCh38, chrX:40,599,625, plus strand): 5'-CTTTTTTTGTTTGTTTGTTCTCCTAAGCTGTCTCGTCATAAGCATCTAGCCAAGGATCAT[T>C]CTCCTGATTTATATTCACTGGAGCTGGCAGGTTTGGATGAAATTGGGAAGCGTTATGGGG-3'
Protein context (NP_005756.2, residues 198-218): SRHKHLAKDH[Ser208Pro]PDLYSLELAG

ClinVar aggregate classification (germline): Uncertain significance (1 of 4 stars; one submission).

Submission:

CeGaT Center for Human Genetics Tuebingen
Classification: Uncertain significance. Last evaluated: 2023-10-01. Review status: criteria provided, single submitter. Criteria: CeGaT Center For Human Genetics Tuebingen Variant Classification Criteria Version 2. Collection method: clinical testing. Allele origin: germline. Affected: yes. Observed: 1 variant allele.
Comment: ATP6AP2: PM2